The following is an entry in ClinVar:

NM_000132.4(F8):c.6383G>A (p.Gly2128Glu)

Gene: F8 (coagulation factor VIII; minus strand). Cytogenetic location: Xq28.
Variant type: single nucleotide variant.
Coding change: c.6383G>A on transcript NM_000132.4 (MANE Select); coding-DNA position 6383, G replaced by A.
Protein change: p.Gly2128Glu; replaces glycine 2128 with glutamic acid.
Molecular consequence: missense variant.
Genome position (GRCh38, 1-based): chrX:154,896,123, C>T on the plus strand (G>A on the coding strand, the complement: F8 is on the minus strand). VCF-style: chrX-154896123-C-T. GRCh37 (hg19) VCF-style: chrX-154124398-C-T.
Other names: short protein forms G2128E.
Identifiers: ClinVar variation 3390674 (VCV003390674.1).

ClinVar aggregate classification (germline): Uncertain significance (1 of 4 stars; one submission).

gnomAD v4.1: 6 of 1,209,455 alleles (0.0005%); highest among the groups gnomAD compares: Non-Finnish European, 0.00067%; no homozygotes.

Submission:

GeneDx
Classification: Uncertain significance. Last evaluated: 2024-06-03. Review status: criteria provided, single submitter. Criteria: GeneDx Variant Classification Process June 2021. Collection method: clinical testing. Allele origin: germline. Affected: yes.
Comment: Not observed at significant frequency in large population cohorts (gnomAD); In silico analysis supports that this missense variant has a deleterious effect on protein structure/function; Has not been previously published as pathogenic or benign to our knowledge